The following is an entry in ClinVar:

NM_002161.6(IARS1):c.1745C>T (p.Pro582Leu)

Gene: IARS1 (isoleucyl-tRNA synthetase 1; minus strand). Cytogenetic location: 9q22.31.
Variant type: single nucleotide variant.
Coding change: c.1745C>T on transcript NM_002161.6 (MANE Select); coding-DNA position 1745, C replaced by T.
Protein change: p.Pro582Leu; replaces proline 582 with leucine.
Molecular consequence: missense variant. On other transcripts: non-coding transcript variant (1).
Genome position (GRCh38, 1-based): chr9:92,263,011, G>A on the plus strand (C>T on the coding strand, the complement: IARS1 is on the minus strand). VCF-style: chr9-92263011-G-A. GRCh37 (hg19) VCF-style: chr9-95025293-G-A.
Other names: c.1745C>T, p.Pro582Leu (NM_001378575.1, NM_001378576.1, NM_001378577.1 and 14 more transcripts); c.1622C>T, p.Pro541Leu (NM_001378583.1); c.1808C>T, p.Pro603Leu (NM_001378569.1); c.1766C>T, p.Pro589Leu (NM_001378571.1); short protein forms P541L, P582L, P589L, P603L.
Identifiers: ClinVar variation 3026478 (VCV003026478.22), dbSNP rs45474891, ClinGen allele CA5122529.
Genomic context (GRCh38, chr9:92,263,011, plus strand): 5'-ACAACAAAGTTGACCTACCTTGCCAGGACAAGCCCATTCACAATTACGTTCTTGAAAGGC[G>A]GTTGTCCAAAGAGGGCCGTGGCCAGCACCAGCAGGGTATAAAACCTGAAAAAAAACCCCA-3'
Protein context (NP_002152.2, residues 572-592): LVLATALFGQ[Pro582Leu]PFKNVIVNGL

ClinVar aggregate classification (germline): Uncertain significance (1 of 4 stars; one submission).

Allele frequency attached by ClinVar (database versions not stated): gnomAD exomes 0.00001; ExAC 0.00002; TOPMed 0.00002; gnomAD 0.00003; 1000 Genomes Project 0.00020; 1000 Genomes Project 30x 0.00031.
gnomAD v4.1: 13 of 1,614,004 alleles (0.00081%); highest among the groups gnomAD compares: African/African-American, 0.0067%; no homozygotes.

Submission:

CeGaT Center for Human Genetics Tuebingen
Classification: Uncertain significance. Last evaluated: 2024-01-01. Review status: criteria provided, single submitter. Criteria: CeGaT Center For Human Genetics Tuebingen Variant Classification Criteria Version 2. Collection method: clinical testing. Allele origin: germline. Affected: yes. Observed: 1 variant allele.
Comment: IARS1: PM2